The following is an entry in ClinVar:

ClinVar aggregate classification (germline): Uncertain significance (1 of 4 stars; one submission).

Conditions:
Hereditary cancer-predisposing syndrome. Also called: Neoplastic Syndromes, Hereditary; Tumor predisposition; Hereditary Cancer Syndrome; Hereditary neoplastic syndrome. Identifiers: Orphanet 140162, MedGen C0027672, MeSH D009386, MONDO:0015356.

Submission:

Ambry Genetics
Classification: Uncertain significance for Hereditary cancer-predisposing syndrome. Last evaluated: 2026-05-04. Review status: criteria provided, single submitter. Criteria: Ambry Variant Classification Scheme 2023. Collection method: clinical testing. Allele origin: germline.
Comment: The p.T170R variant (also known as c.509C>G), located in coding exon 2 of the CDKN1B gene, results from a C to G substitution at nucleotide position 509. The threonine at codon 170 is replaced by arginine, an amino acid with similar properties. This amino acid position is conserved. In addition, the in silico prediction for this alteration is inconclusive. Based on the available evidence, the clinical significance of this variant remains unclear.

NM_004064.5(CDKN1B):c.509C>G (p.Thr170Arg)

Gene: CDKN1B (cyclin dependent kinase inhibitor 1B; plus strand). Cytogenetic location: 12p13.1.
Variant type: single nucleotide variant.
Coding change: c.509C>G on transcript NM_004064.5 (MANE Select); coding-DNA position 509, C replaced by G.
Protein change: p.Thr170Arg; replaces threonine 170 with arginine.
Molecular consequence: missense variant.
Genome position (GRCh38, 1-based): chr12:12,718,858, C>G. VCF-style: chr12-12718858-C-G. GRCh37 (hg19) VCF-style: chr12-12871792-C-G.
Other names: short protein forms T170R.
Identifiers: ClinVar variation 4868627 (VCV004868627.1).